The following is an entry in ClinVar:

ClinVar aggregate classification (germline): Uncertain significance (1 of 4 stars; one submission).

Conditions:
Aortic valve disease 2 (AOVD2). Identifiers: MedGen C3542024, MONDO:0013902, OMIM 614823.

Allele frequency attached by ClinVar (database versions not stated): 1000 Genomes Project 30x 0.00047.

Submission:

Labcorp Genetics (formerly Invitae), Labcorp
Classification: Uncertain significance for Aortic valve disease 2. Last evaluated: 2025-01-10. Review status: criteria provided, single submitter. Criteria: Invitae Variant Classification Sherloc (09022015). Collection method: clinical testing. Allele origin: germline.
Comment: This sequence change replaces glycine, which is neutral and non-polar, with serine, which is neutral and polar, at codon 33 of the SMAD6 protein (p.Gly33Ser). The frequency data for this variant in the population databases is considered unreliable, as metrics indicate poor data quality at this position in the gnomAD database. This missense change has been observed in individual(s) with acute aortic dissection (PMID: 30056620). ClinVar contains an entry for this variant (Variation ID: 2075266). An algorithm developed to predict the effect of missense changes on protein structure and function (PolyPhen-2) suggests that this variant is likely to be tolerated. In summary, the available evidence is currently insufficient to determine the role of this variant in disease. Therefore, it has been classified as a Variant of Uncertain Significance.

Literature cited by the submitters: PubMed 30056620.

NM_005585.5(SMAD6):c.97G>A (p.Gly33Ser)

Gene: SMAD6 (SMAD family member 6; plus strand). Cytogenetic location: 15q22.31.
Variant type: single nucleotide variant.
Coding change: c.97G>A on transcript NM_005585.5 (MANE Select); coding-DNA position 97, G replaced by A.
Protein change: p.Gly33Ser; replaces glycine 33 with serine.
Molecular consequence: missense variant. On other transcripts: non-coding transcript variant (1).
Genome position (GRCh38, 1-based): chr15:66,703,355, G>A. VCF-style: chr15-66703355-G-A. GRCh37 (hg19) VCF-style: chr15-66995693-G-A.
Other names: short protein forms G33S.
Identifiers: ClinVar variation 2075266 (VCV002075266.4), dbSNP rs769111756, ClinGen allele CA7626433.